The following is an entry in ClinVar:

NM_024589.3(ROGDI):c.255+22C>T

Gene: ROGDI (rogdi atypical leucine zipper; minus strand). Cytogenetic location: 16p13.3.
Variant type: single nucleotide variant.
Coding change: c.255+22C>T on transcript NM_024589.3 (MANE Select); 22 bases into the intron after coding-DNA position 255, C replaced by T.
Molecular consequence: intron variant.
Genome position (GRCh38, 1-based): chr16:4,801,245, G>A on the plus strand (C>T on the coding strand, the complement: ROGDI is on the minus strand). VCF-style: chr16-4801245-G-A. GRCh37 (hg19) VCF-style: chr16-4851246-G-A.
Identifiers: ClinVar variation 2646160 (VCV002646160.24), dbSNP rs369054771, ClinGen allele CA7882873.

ClinVar aggregate classification (germline): Likely benign (1 of 4 stars; one submission).

Allele frequency attached by ClinVar (database versions not stated): ESP Exome Variant Server 0.00008; TOPMed 0.00017; gnomAD 0.00025; gnomAD exomes 0.00035; ExAC 0.00089; 1000 Genomes Project 0.00120; 1000 Genomes Project 30x 0.00125.

Submission:

CeGaT Center for Human Genetics Tuebingen
Classification: Likely benign. Last evaluated: 2022-12-01. Review status: criteria provided, single submitter. Criteria: CeGaT Center For Human Genetics Tuebingen Variant Classification Criteria Version 2. Collection method: clinical testing. Allele origin: germline. Affected: yes. Observed: 1 variant allele.
Comment: ROGDI: BS2